The following is an entry in ClinVar:

NM_000784.4(CYP27A1):c.779G>A (p.Trp260Ter)

Gene: CYP27A1 (cytochrome P450 family 27 subfamily A member 1; plus strand). Cytogenetic location: 2q35.
Variant type: single nucleotide variant.
Coding change: c.779G>A on transcript NM_000784.4 (MANE Select); coding-DNA position 779, G replaced by A.
Protein change: p.Trp260Ter; replaces tryptophan 260 with a stop codon.
Molecular consequence: nonsense.
Genome position (GRCh38, 1-based): chr2:218,812,684, G>A. VCF-style: chr2-218812684-G-A. GRCh37 (hg19) VCF-style: chr2-219677407-G-A.
Other names: c.779G>A; short protein forms W260*.
Identifiers: ClinVar variation 65899 (VCV000065899.4), dbSNP rs587778810, ClinGen allele CA345236.

ClinVar aggregate classification (germline): Pathogenic. Review status: criteria provided, single submitter (1 of 4 stars). 2 submissions from 2 submitters: Pathogenic (1). 1 of the submissions does not count toward it. Last evaluated 2023-05-06.

Conditions:
Cholestanol storage disease (CTX). Also called: CEREBRAL CHOLESTERINOSIS; Cerebrotendinous Xanthomatosis; CTX: Cerebrotendinous xanthomatosis. Identifiers: Orphanet 909, MedGen C0238052, MONDO:0008948, OMIM 213700.

Submissions (2):

Baylor Genetics
Classification: Pathogenic for Cholestanol storage disease. Last evaluated: 2023-05-06. Review status: criteria provided, single submitter. Criteria: ACMG Guidelines, 2015. Collection method: clinical testing. Allele origin: unknown.

GeneReviews
Classification: Pathogenic for Cerebrotendinous Xanthomatosis. Last evaluated: 2013-08-01. Review status: no assertion criteria provided. Collection method: curation. Allele origin: unknown. Not counted in ClinVar's aggregate classification.
ClinVar note: Converted during submission from pathologic to Pathogenic.